The following is an entry in ClinVar:

NM_006516.4(SLC2A1):c.104C>T (p.Ala35Val)

Gene: SLC2A1 (solute carrier family 2 member 1; minus strand). Cytogenetic location: 1p34.2.
Variant type: single nucleotide variant.
Coding change: c.104C>T on transcript NM_006516.4 (MANE Select); coding-DNA position 104, C replaced by T.
Protein change: p.Ala35Val; replaces alanine 35 with valine.
Molecular consequence: missense variant.
Genome position (GRCh38, 1-based): chr1:42,943,236, G>A on the plus strand (C>T on the coding strand, the complement: SLC2A1 is on the minus strand). VCF-style: chr1-42943236-G-A. GRCh37 (hg19) VCF-style: chr1-43408907-G-A.
Other names: short protein forms A35V.
Identifiers: ClinVar variation 1437618 (VCV001437618.9), dbSNP rs773791632, ClinGen allele CA803635.
Genomic context (GRCh38, chr1:42,943,236, plus strand): 5'-TGCAACAGAGCAGGCTGGTGTCCATAAGCCAACGATGGCACAGTACTCACCTTCTGGGGG[G>A]CATTGATGACTCCAGTGTTGTAGCCAAACTGCAGGGAGCCAAGCACTGCTCCTCCCACGG-3'
Protein context (NP_006507.2, residues 25-45): QFGYNTGVIN[Ala35Val]PQKVIEEFYN

ClinVar aggregate classification (germline): Uncertain significance. Review status: criteria provided, multiple submitters, no conflicts (2 of 4 stars). 2 submissions from 2 submitters: Uncertain significance (2). Last evaluated 2024-09-30.

Conditions:
GLUT1 deficiency syndrome 1, autosomal recessive. Identifiers: MedGen C3149117.

Allele frequency attached by ClinVar (database versions not stated): gnomAD exomes below 0.00001; ExAC 0.00001.
gnomAD v4.1: 1 of 1,610,842 alleles (0.000062%); highest among the groups gnomAD compares: Non-Finnish European, 0.000085%; no homozygotes.

Submissions (2):

Labcorp Genetics (formerly Invitae), Labcorp
Classification: Uncertain significance for GLUT1 deficiency syndrome 1, autosomal recessive. Last evaluated: 2024-09-30. Review status: criteria provided, single submitter. Criteria: Invitae Variant Classification Sherloc (09022015). Collection method: clinical testing. Allele origin: germline.
Comment: This sequence change replaces alanine, which is neutral and non-polar, with valine, which is neutral and non-polar, at codon 35 of the SLC2A1 protein (p.Ala35Val). The frequency data for this variant in the population databases is considered unreliable, as metrics indicate poor data quality at this position in the gnomAD database. This variant has not been reported in the literature in individuals affected with SLC2A1-related conditions. ClinVar contains an entry for this variant (Variation ID: 1437618). Invitae Evidence Modeling of protein sequence and biophysical properties (such as structural, functional, and spatial information, amino acid conservation, physicochemical variation, residue mobility, and thermodynamic stability) indicates that this missense variant is expected to disrupt SLC2A1 protein function with a positive predictive value of 95%. In summary, the available evidence is currently insufficient to determine the role of this variant in disease. Therefore, it has been classified as a Variant of Uncertain Significance.

Blueprint Genetics
Classification: Uncertain significance. Last evaluated: 2022-02-11. Review status: criteria provided, single submitter. Criteria: ACMG Guidelines, 2015. Collection method: clinical testing. Allele origin: germline.